The following is an entry in ClinVar:

NM_001044.5(SLC6A3):c.654-3C>T

Gene: SLC6A3 (solute carrier family 6 member 3). Cytogenetic location: 5p15.33.
Variant type: single nucleotide variant.
Coding change: c.654-3C>T on transcript NM_001044.5 (MANE Select); 3 bases into the intron before coding-DNA position 654, C replaced by T.
Molecular consequence: intron variant.
Genome position (GRCh38, 1-based): chr5:1,422,017, G>A on the plus strand (C>T on the coding strand, the complement: SLC6A3 is on the minus strand). VCF-style: chr5-1422017-G-A. GRCh37 (hg19) VCF-style: chr5-1422132-G-A.
Identifiers: ClinVar variation 2175474 (VCV002175474.2), dbSNP rs764834876, ClinGen allele CA3186295.

ClinVar aggregate classification (germline): Uncertain significance (1 of 4 stars; one submission).

Conditions:
Parkinsonism-dystonia, infantile. Identifiers: Orphanet 238455, MedGen C2751067, MONDO:0013150.

Allele frequency attached by ClinVar (database versions not stated): TOPMed below 0.00001; gnomAD 0.00009; gnomAD exomes 0.00016; ExAC 0.00019.
gnomAD v4.1: 114 of 1,610,478 alleles (0.0071%); highest among the groups gnomAD compares: Non-Finnish European, 0.001%; no homozygotes.

Submission:

Labcorp Genetics (formerly Invitae), Labcorp
Classification: Uncertain significance for Parkinsonism-dystonia, infantile. Last evaluated: 2022-05-09. Review status: criteria provided, single submitter. Criteria: Invitae Variant Classification Sherloc (09022015). Collection method: clinical testing. Allele origin: germline.
Comment: This sequence change falls in intron 4 of the SLC6A3 gene. It does not directly change the encoded amino acid sequence of the SLC6A3 protein. It affects a nucleotide within the consensus splice site. This variant is present in population databases (rs764834876, gnomAD 0.2%). This variant has not been reported in the literature in individuals affected with SLC6A3-related conditions. Variants that disrupt the consensus splice site are a relatively common cause of aberrant splicing (PMID: 17576681, 9536098). Algorithms developed to predict the effect of sequence changes on RNA splicing suggest that this variant is not likely to affect RNA splicing. In summary, the available evidence is currently insufficient to determine the role of this variant in disease. Therefore, it has been classified as a Variant of Uncertain Significance.

Literature cited by the submitters: PubMed 17576681; PubMed 9536098.